The following is an entry in ClinVar:

NM_004990.4(MARS1):c.2668C>T (p.Pro890Ser)

Gene: MARS1 (methionyl-tRNA synthetase 1; plus strand). Cytogenetic location: 12q13.3.
Variant type: single nucleotide variant.
Coding change: c.2668C>T on transcript NM_004990.4 (MANE Select); coding-DNA position 2668, C replaced by T.
Protein change: p.Pro890Ser; replaces proline 890 with serine.
Molecular consequence: missense variant.
Genome position (GRCh38, 1-based): chr12:57,516,546, C>T. VCF-style: chr12-57516546-C-T. GRCh37 (hg19) VCF-style: chr12-57910329-C-T.
Other names: short protein forms P890S.
Identifiers: ClinVar variation 4793875 (VCV004793875.1).

ClinVar aggregate classification (germline): Uncertain significance (1 of 4 stars; one submission).

Conditions:
Severe early-onset pulmonary alveolar proteinosis due to MARS deficiency. Also called: PULMONARY ALVEOLAR PROTEINOSIS, REUNION ISLAND; Interstitial lung and liver disease. Identifiers: Orphanet 440427, MedGen C4225400, MONDO:0014206, OMIM 615486.
Charcot-Marie-Tooth disease axonal type 2U. Also called: CHARCOT-MARIE-TOOTH NEUROPATHY, TYPE 2U; CHARCOT-MARIE-TOOTH DISEASE, AXONAL, AUTOSOMAL DOMINANT, TYPE 2U. Identifiers: Orphanet 397735, MedGen C4084821, MONDO:0014566, OMIM 616280.

gnomAD v4.1: 1 of 1,595,336 alleles (0.000063%); highest among the groups gnomAD compares: Non-Finnish European, 0.000085%; no homozygotes.

Submission:

Labcorp Genetics (formerly Invitae), Labcorp
Classification: Uncertain significance for Charcot-Marie-Tooth disease axonal type 2U; Severe early-onset pulmonary alveolar proteinosis due to MARS deficiency. Last evaluated: 2025-09-11. Review status: criteria provided, single submitter. Criteria: Invitae Variant Classification Sherloc (09022015). Collection method: clinical testing. Allele origin: germline.
Comment: This sequence change replaces proline, which is neutral and non-polar, with serine, which is neutral and polar, at codon 890 of the MARS protein (p.Pro890Ser). This variant is not present in population databases (gnomAD no frequency). This variant has not been reported in the literature in individuals affected with MARS-related conditions. Experimental studies and prediction algorithms are not available or were not evaluated, and the functional significance of this variant is currently unknown. In summary, the available evidence is currently insufficient to determine the role of this variant in disease. Therefore, it has been classified as a Variant of Uncertain Significance.